The following is an entry in ClinVar:

NM_198407.2(GHSR):c.384C>A (p.Tyr128Ter)

Gene: GHSR (growth hormone secretagogue receptor; minus strand). Cytogenetic location: 3q26.31.
Variant type: single nucleotide variant.
Coding change: c.384C>A on transcript NM_198407.2 (MANE Select); coding-DNA position 384, C replaced by A.
Protein change: p.Tyr128Ter; replaces tyrosine 128 with a stop codon.
Molecular consequence: nonsense.
Genome position (GRCh38, 1-based): chr3:172,448,030, G>T on the plus strand (C>A on the coding strand, the complement: GHSR is on the minus strand). VCF-style: chr3-172448030-G-T. GRCh37 (hg19) VCF-style: chr3-172165820-G-T.
Other names: c.384C>A, p.Tyr128Ter (NM_004122.2); short protein forms Y128*.
Identifiers: ClinVar variation 1468845 (VCV001468845.7), dbSNP rs200490484, ClinGen allele CA87785756.
Genomic context (GRCh38, chr3:172,448,030, plus strand): 5'-TGGGAAGCAGATGGCGAAGTAGCGCTCGACGCTCAGCGCTGTGATGGTGAGCACCGTGGC[G>T]TAGGTGCAGCTCTCACTGACGAATTGGAAGAGTTTGCAGAGGAGGTCGCCGAAGTTCCAG-3'

ClinVar aggregate classification (germline): Uncertain significance. Review status: criteria provided, multiple submitters, no conflicts (2 of 4 stars). 2 submissions from 2 submitters: Uncertain significance (2). Last evaluated 2025-02-04.

Submissions (2):

Women's Health and Genetics/Laboratory Corporation of America, LabCorp
Classification: Uncertain significance. Last evaluated: 2025-02-04. Review status: criteria provided, single submitter. Criteria: LabCorp Variant Classification Summary - May 2015. Collection method: clinical testing. Allele origin: germline.
Comment: Variant summary: GHSR c.384C>A (p.Tyr128X) results in a premature termination codon, predicted to cause a truncation of the encoded protein or absence of the protein due to nonsense mediated decay, however current evidence is not sufficient to establish loss of function as a mechanism for disease. The variant was absent in 250696 control chromosomes. The available data on variant occurrences in the general population are insufficient to allow any conclusion about variant significance. To our knowledge, no occurrence of c.384C>A in individuals affected with Short Stature Due To Growth Hormone Secretagogue Receptor Deficiency and no experimental evidence demonstrating its impact on protein function have been reported. ClinVar contains an entry for this variant (Variation ID: 1468845). Based on the evidence outlined above, the variant was classified as uncertain significance.

Labcorp Genetics (formerly Invitae), Labcorp
Classification: Uncertain significance. Last evaluated: 2021-09-15. Review status: criteria provided, single submitter. Criteria: Invitae Variant Classification Sherloc (09022015). Collection method: clinical testing. Allele origin: germline.
Comment: In summary, the available evidence is currently insufficient to determine the role of this variant in disease. Therefore, it has been classified as a Variant of Uncertain Significance. This sequence change creates a premature translational stop signal (p.Tyr128*) in the GHSR gene. It is expected to result in an absent or disrupted protein product. However, the current clinical and genetic evidence is not sufficient to establish whether loss-of-function variants in GHSR cause disease. This variant is not present in population databases (ExAC no frequency). This variant has not been reported in the literature in individuals affected with GHSR-related conditions.